The following is an entry in ClinVar:

NM_016155.7(MMP17):c.1602G>A (p.Ala534=)

Gene: MMP17 (matrix metallopeptidase 17; plus strand). Cytogenetic location: 12q24.33.
Variant type: single nucleotide variant.
Coding change: c.1602G>A on transcript NM_016155.7 (MANE Select); coding-DNA position 1602, G replaced by A.
Protein change: p.Ala534=; no amino-acid change (alanine 534 retained).
Molecular consequence: synonymous variant. On other transcripts: non-coding transcript variant (2).
Genome position (GRCh38, 1-based): chr12:131,851,064, G>A. VCF-style: chr12-131851064-G-A. GRCh37 (hg19) VCF-style: chr12-132335609-G-A.
Other names: c.1350G>A, p.Ala450= (NM_001411000.1).
Identifiers: ClinVar variation 2643609 (VCV002643609.24), dbSNP rs186856639, ClinGen allele CA6882228.
Genomic context (GRCh38, chr12:131,851,064, plus strand): 5'-GTCCACGGCCCGGGACTGGCTGGTGTGTGGAGACTCACAGGCCGATGGATCTGTGGCTGC[G>A]GGCGTGGACGCGGCAGAGGGGCCCCGCGCCCCTCCAGGACAACATGACCAGAGCCGCTCG-3'
Protein context (NP_057239.4, residues 524-544): GDSQADGSVA[Ala534=]GVDAAEGPRA

ClinVar aggregate classification (germline): Likely benign (1 of 4 stars; one submission).

Allele frequency attached by ClinVar (database versions not stated): gnomAD 0.00019; TOPMed 0.00030; ExAC 0.00057; 1000 Genomes Project 30x 0.00078; 1000 Genomes Project 0.00080.
gnomAD v4.1: 252 of 1,607,996 alleles (0.016%); highest among the groups gnomAD compares: East Asian, 0.38%; 1 homozygote.

Submission:

CeGaT Center for Human Genetics Tuebingen
Classification: Likely benign. Last evaluated: 2022-06-01. Review status: criteria provided, single submitter. Criteria: CeGaT Center For Human Genetics Tuebingen Variant Classification Criteria Version 2. Collection method: clinical testing. Allele origin: germline. Affected: yes. Observed: 1 variant allele.
Comment: MMP17: BP4, BP7